The following is an entry in ClinVar:

ClinVar aggregate classification (germline): Uncertain significance (1 of 4 stars; one submission).

Submission:

Labcorp Genetics (formerly Invitae), Labcorp
Classification: Uncertain significance. Last evaluated: 2024-03-16. Review status: criteria provided, single submitter. Criteria: Invitae Variant Classification Sherloc (09022015). Collection method: clinical testing. Allele origin: germline.
Comment: This variant, c.1599_1601del, results in the deletion of 1 amino acid(s) of the BCL11B protein (p.Glu533del), but otherwise preserves the integrity of the reading frame. The frequency data for this variant in the population databases is considered unreliable, as metrics indicate poor data quality at this position in the gnomAD database. This variant has not been reported in the literature in individuals affected with BCL11B-related conditions. Experimental studies and prediction algorithms are not available or were not evaluated, and the functional significance of this variant is currently unknown. In summary, the available evidence is currently insufficient to determine the role of this variant in disease. Therefore, it has been classified as a Variant of Uncertain Significance.

NM_138576.4(BCL11B):c.1590GGA[3] (p.Glu533del)

Gene: BCL11B (BCL11 transcription factor B; minus strand). Cytogenetic location: 14q32.2.
Variant type: Microsatellite.
Coding change: c.1590GGA[3] on transcript NM_138576.4 (MANE Select); three copies in a row of the 3-base unit GGA starting at c.1590; the reference has four copies in a row; one copy, 3 bases deleted.
Protein change: p.Glu533del; deletes glutamic acid 533.
Molecular consequence: inframe deletion.
Genome position (GRCh38, 1-based): chr14:99,175,235-99,175,237, TCC deleted on the plus strand (GGA on the coding strand, the reverse complement: BCL11B is on the minus strand); deleting any 3 consecutive bases within chr14:99,175,235-99,175,246 gives the same sequence; the position shown is the placement nearest the transcript's 3' end. VCF-style (leftmost placement, unchanged base first): chr14-99175234-GTCC-G. GRCh37 (hg19) VCF-style: chr14-99641571-GTCC-G.
Other names: c.1587GGA[3], p.Glu532del (NM_001282237.2); c.1374GGA[3], p.Glu461del (NM_001282238.2); c.1377GGA[3], p.Glu462del (NM_022898.3); short protein forms E533del, E532del, E461del, E462del.
Identifiers: ClinVar variation 1429345 (VCV001429345.6), dbSNP rs763457517, ClinGen allele CA7339643.
Genomic context (GRCh38, chr14:99,175,234, plus strand): 5'-CGACTCGGGCCGGCTCTCGTTCTCCAGTAGCAGCTCCTCCTCCTCCTCCTCCTCCTCCTC[GTCC>G]TCCTCCTCCGGCTCGTGGCCCAGCGACGGGTCGCTCTCGTGGTGGCGGAAGTCACCGTCG-3'